The following is an entry in ClinVar:

ClinVar aggregate classification (germline): Uncertain significance. Review status: criteria provided, multiple submitters, no conflicts (2 of 4 stars). 8 submissions from 8 submitters: Uncertain significance (8). Last evaluated 2025-11-18.

Conditions:
Hereditary cancer-predisposing syndrome. Also called: Tumor predisposition; Hereditary neoplastic syndrome; Neoplastic Syndromes, Hereditary; Hereditary Cancer Syndrome. Identifiers: Orphanet 140162, MedGen C0027672, MeSH D009386, MONDO:0015356.
Familial cancer of breast. Also called: BREAST CANCER, FAMILIAL; hereditary breast carcinoma; Hereditary breast cancer. Identifiers: Orphanet 227535, MedGen C0346153, MONDO:0016419, OMIM 114480. Disease mechanism: loss of function.

Allele frequency attached by ClinVar (database versions not stated): gnomAD 0.00001; gnomAD exomes 0.00001 and 0.00004; TOPMed 0.00001; 1000 Genomes Project 30x 0.00031; ExAC 0.00003; 1000 Genomes Project 0.00020.
gnomAD v4.1: 18 of 1,613,924 alleles (0.0011%); highest among the groups gnomAD compares: Admixed American, 0.025%; no homozygotes.

Submissions (8):

Labcorp Genetics (formerly Invitae), Labcorp
Classification: Uncertain significance for Familial cancer of breast. Last evaluated: 2025-11-18. Review status: criteria provided, single submitter. Criteria: Invitae Variant Classification Sherloc (09022015). Collection method: clinical testing. Allele origin: germline.
Comment: This sequence change replaces leucine, which is neutral and non-polar, with phenylalanine, which is neutral and non-polar, at codon 432 of the BARD1 protein (p.Leu432Phe). This variant is present in population databases (rs185164724, gnomAD 0.03%). This missense change has been observed in individual(s) with ovarian cancer (PMID: 26315354). ClinVar contains an entry for this variant (Variation ID: 485306). An algorithm developed to predict the effect of missense changes on protein structure and function (PolyPhen-2) suggests that this variant is likely to be disruptive. In summary, the available evidence is currently insufficient to determine the role of this variant in disease. Therefore, it has been classified as a Variant of Uncertain Significance.

Quest Diagnostics Nichols Institute San Juan Capistrano
Classification: Uncertain significance. Last evaluated: 2025-10-03. Review status: criteria provided, single submitter. Criteria: Quest Diagnostics criteria. Collection method: clinical testing. Allele origin: unknown.
Comment: The BARD1 c.1294C>T (p.Leu432Phe) variant has been reported in the published literature in an individual affected with ovarian cancer (PMID: 26315354 (2015)). This variant has also been identified in reportedly healthy individuals (PMID: 36243179 (2022), 33471991 (2021), see also LOVD). The frequency of this variant in the general population (Genome Aggregation Database) is higher than would generally be expected for pathogenic variants in this gene. Analysis of this variant using bioinformatics tools for the prediction of the effect of amino acid changes on protein structure and function yielded predictions that this variant is damaging. Based on the available information, we are unable to determine the clinical significance of this variant.

GeneDx
Classification: Uncertain significance. Last evaluated: 2025-08-04. Review status: criteria provided, single submitter. Criteria: GeneDx Variant Classification Process June 2021. Collection method: clinical testing. Allele origin: germline.
Comment: In silico analysis supports that this missense variant has a deleterious effect on protein structure/function; Identified in individual(s) with ovarian cancer (PMID: 26315354); This variant is associated with the following publications: (PMID: 18480049, 26315354, 36243179)

Ambry Genetics
Classification: Uncertain significance for Hereditary cancer-predisposing syndrome. Last evaluated: 2025-01-13. Review status: criteria provided, single submitter. Criteria: Ambry Variant Classification Scheme 2023. Collection method: clinical testing. Allele origin: germline.
Comment: The p.L432F variant (also known as c.1294C>T), located in coding exon 4 of the BARD1 gene, results from a C to T substitution at nucleotide position 1294. The leucine at codon 432 is replaced by phenylalanine, an amino acid with highly similar properties. This alteration was detected in 1/3236 patients with invasive epithelial ovarian cancer and 0/3431 cancer-free controls of European origin, and it was predicted to be deleterious based on the results of three in silico prediction algorithms (Ramus SJ et al. J. Natl. Cancer Inst. 2015 Nov;107). This amino acid position is highly conserved in available vertebrate species. In addition, this alteration is predicted to be deleterious by in silico analysis. Since supporting evidence is limited at this time, the clinical significance of this alteration remains unclear.

Women's Health and Genetics/Laboratory Corporation of America, LabCorp
Classification: Uncertain significance. Last evaluated: 2023-12-21. Review status: criteria provided, single submitter. Criteria: LabCorp Variant Classification Summary - May 2015. Collection method: clinical testing. Allele origin: germline.
Comment: Variant summary: BARD1 c.1294C>T (p.Leu432Phe) results in a non-conservative amino acid change in the encoded protein sequence. Five of five in-silico tools predict a damaging effect of the variant on protein function. The variant allele was found at a frequency of 4.4e-05 in 250800 control chromosomes (gnomAD). This frequency is not significantly higher than estimated for a pathogenic variant in BARD1 causing Hereditary Breast And Ovarian Cancer Syndrome (4.4e-05 vs 0.00025), allowing no conclusion about variant significance. c.1294C>T has been reported in the literature in an individual affected with Ovarian Cancer without strong evidence of causality (Ramus_2015). This report does not provide unequivocal conclusions about association of the variant with Hereditary Breast And Ovarian Cancer Syndrome. To our knowledge, no experimental evidence demonstrating an impact on protein function has been reported. The following publication has been ascertained in the context of this evaluation (PMID: 26315354). Six submitters have cited clinical-significance assessments for this variant to ClinVar after 2014. All submitters classified the variant as uncertain significance. Based on the evidence outlined above, the variant was classified as uncertain significance.

Baylor Genetics
Classification: Uncertain significance for Familial cancer of breast. Last evaluated: 2023-09-29. Review status: criteria provided, single submitter. Criteria: ACMG Guidelines, 2015. Collection method: clinical testing. Allele origin: unknown.

Color Diagnostics, LLC DBA Color Health
Classification: Uncertain significance for Hereditary cancer-predisposing syndrome. Last evaluated: 2019-03-19. Review status: criteria provided, single submitter. Criteria: ACMG Guidelines, 2015. Collection method: clinical testing. Allele origin: germline.

PreventionGenetics, part of Exact Sciences
Classification: Uncertain significance. Last evaluated: 2017-08-11. Review status: criteria provided, single submitter. Criteria: ACMG Guidelines, 2015. Collection method: clinical testing. Allele origin: germline.

Literature cited by the submitters: PubMed 26315354 (cited by 4 submitters); PubMed 36243179 (cited by Quest Diagnostics Nichols Institute San Juan Capistrano); PubMed 33471991 (cited by Quest Diagnostics Nichols Institute San Juan Capistrano).

NM_000465.4(BARD1):c.1294C>T (p.Leu432Phe)

Gene: BARD1 (BRCA1 associated RING domain 1; minus strand). Cytogenetic location: 2q35.
Variant type: single nucleotide variant.
Coding change: c.1294C>T on transcript NM_000465.4 (MANE Select); coding-DNA position 1294, C replaced by T.
Protein change: p.Leu432Phe; replaces leucine 432 with phenylalanine.
Molecular consequence: missense variant. On other transcripts: non-coding transcript variant (2), intron variant (3).
Genome position (GRCh38, 1-based): chr2:214,780,580, G>A on the plus strand (C>T on the coding strand, the complement: BARD1 is on the minus strand). VCF-style: chr2-214780580-G-A. GRCh37 (hg19) VCF-style: chr2-215645304-G-A.
Other names: c.1237C>T, p.Leu413Phe (NM_001282543.2); c.159-28025C>T (NM_001282548.2); c.215+16481C>T (NM_001282545.2); c.364+11717C>T (NM_001282549.2); short protein forms L432F, L413F.
Identifiers: ClinVar variation 485306 (VCV000485306.27), dbSNP rs185164724, ClinGen allele CA2090313.